The following is an entry in ClinVar:

ClinVar aggregate classification (germline): Uncertain significance (1 of 4 stars; one submission).

Conditions:
Cornelia de Lange syndrome 1 (CDLS1). Also called: Brachmann de Lange syndrome; NIPBL-Related Cornelia de Lange Syndrome; TYPUS DEGENERATIVUS AMSTELODAMENSIS. Identifiers: Orphanet 199, MedGen C4551851, MONDO:0007387, OMIM 122470.

Submission:

Labcorp Genetics (formerly Invitae), Labcorp
Classification: Uncertain significance for Cornelia de Lange syndrome 1. Last evaluated: 2024-09-01. Review status: criteria provided, single submitter. Criteria: Invitae Variant Classification Sherloc (09022015). Collection method: clinical testing. Allele origin: germline.
Comment: This sequence change replaces phenylalanine, which is neutral and non-polar, with cysteine, which is neutral and slightly polar, at codon 2180 of the NIPBL protein (p.Phe2180Cys). This variant is not present in population databases (gnomAD no frequency). This variant has not been reported in the literature in individuals affected with NIPBL-related conditions. Invitae Evidence Modeling of protein sequence and biophysical properties (such as structural, functional, and spatial information, amino acid conservation, physicochemical variation, residue mobility, and thermodynamic stability) indicates that this missense variant is expected to disrupt NIPBL protein function with a positive predictive value of 80%. In summary, the available evidence is currently insufficient to determine the role of this variant in disease. Therefore, it has been classified as a Variant of Uncertain Significance.

NM_133433.4(NIPBL):c.6539T>G (p.Phe2180Cys)

Gene: NIPBL (NIPBL cohesin loading factor; plus strand). Cytogenetic location: 5p13.2.
Variant type: single nucleotide variant.
Coding change: c.6539T>G on transcript NM_133433.4 (MANE Select); coding-DNA position 6539, T replaced by G.
Protein change: p.Phe2180Cys; replaces phenylalanine 2180 with cysteine.
Molecular consequence: missense variant.
Genome position (GRCh38, 1-based): chr5:37,046,149, T>G. VCF-style: chr5-37046149-T-G. GRCh37 (hg19) VCF-style: chr5-37046251-T-G.
Other names: c.6539T>G, p.Phe2180Cys (NM_015384.5); short protein forms F2180C.
Identifiers: ClinVar variation 3635357 (VCV003635357.2).